The following is an entry in ClinVar:

NM_000548.5(TSC2):c.3768_3774dup (p.Ser1259fs)

Gene: TSC2 (TSC complex subunit 2; plus strand). Cytogenetic location: 16p13.3.
Variant type: Duplication.
Coding change: c.3768_3774dup on transcript NM_000548.5 (MANE Select); coding-DNA positions 3768 to 3774, 7 bases duplicated (GGCAGCC; older notation c.3768_3774dupGGCAGCC).
Protein change: p.Ser1259fs; shifts the reading frame from serine 1259.
Molecular consequence: frameshift variant. On other transcripts: non-coding transcript variant (5).
Genome position (GRCh38, 1-based): chr16:2,081,752-2,081,758, GGCAGCC duplicated; duplicating any 7 consecutive bases within chr16:2,081,749-2,081,758 gives the same sequence; the c. name uses the placement nearest the transcript's 3' end. VCF-style (leftmost placement, unchanged base first): chr16-2081748-T-TGCCGGCA. GRCh37 (hg19) VCF-style: chr16-2131749-T-TGCCGGCA.
Other names: c.3168_3174dup, p.Ser1059fs (NM_001406682.1, NM_001406683.1, NM_001406680.1); c.3039_3045dup, p.Ser1016fs (NM_001406686.1, NM_001406685.1); c.3165_3171dup, p.Ser1058fs (NM_001406684.1); c.3636_3642dup, p.Ser1215fs (NM_001077183.3, NM_001370404.1, NM_001406665.1); c.3768_3774dup, p.Ser1259fs (NM_001114382.3); c.3528_3534dup, p.Ser1179fs (NM_001318827.2); c.3492_3498dup, p.Ser1167fs (NM_001318829.2); c.3036_3042dup, p.Ser1015fs (NM_001318831.2, NM_001406687.1, NM_001406688.1); and 18 more; short protein forms S1015fs, S1166fs, S1196fs, S1212fs, S1216fs, S1245fs, S1258fs, S768fs.
Identifiers: ClinVar variation 3651621 (VCV003651621.2).
Genomic context (GRCh38, chr16:2,081,748, plus strand): 5'-TCATGGCGGCTGAGCGCTTCAAGGAGCACCGGGACACAGCCCTGTACAAGTCACTGTCGG[T>TGCCGGCA]GCCGGCAGCCAGCACGGCCAAACCCCCTCCTCTGCCTCGCTCCAACACAGGTGAGTGGCA-3'

ClinVar aggregate classification (germline): Pathogenic (1 of 4 stars; one submission).

Conditions:
Tuberous sclerosis 2 (TSC2). Identifiers: Orphanet 805, MedGen C1860707, MONDO:0013199, OMIM 613254.

Submission:

Labcorp Genetics (formerly Invitae), Labcorp
Classification: Pathogenic for Tuberous sclerosis 2. Last evaluated: 2024-04-30. Review status: criteria provided, single submitter. Criteria: Invitae Variant Classification Sherloc (09022015). Collection method: clinical testing. Allele origin: germline.
Comment: This sequence change creates a premature translational stop signal (p.Ser1259Glyfs*65) in the TSC2 gene. It is expected to result in an absent or disrupted protein product. Loss-of-function variants in TSC2 are known to be pathogenic (PMID: 10205261, 17304050). This variant is not present in population databases (gnomAD no frequency). This variant has not been reported in the literature in individuals affected with TSC2-related conditions. For these reasons, this variant has been classified as Pathogenic.

Literature cited by the submitters: PubMed 10205261; PubMed 17304050.